The following is an entry in ClinVar:

ClinVar aggregate classification (germline): Uncertain significance. Review status: criteria provided, multiple submitters, no conflicts (2 of 4 stars). 3 submissions from 3 submitters: Uncertain significance (3). Last evaluated 2025-08-31.

Allele frequency attached by ClinVar (database versions not stated): gnomAD 0.00001; gnomAD exomes 0.00001; TOPMed 0.00001.
gnomAD v4.1: 15 of 1,612,564 alleles (0.00093%); highest among the groups gnomAD compares: African/African-American, 0.004%; no homozygotes.

Submissions (3):

Labcorp Genetics (formerly Invitae), Labcorp
Classification: Uncertain significance. Last evaluated: 2025-08-31. Review status: criteria provided, single submitter. Criteria: Invitae Variant Classification Sherloc (09022015). Collection method: clinical testing. Allele origin: germline.
Comment: This sequence change replaces arginine, which is basic and polar, with histidine, which is basic and polar, at codon 416 of the FGFR3 protein (p.Arg416His). This variant is present in population databases (no rsID available, gnomAD 0.002%). This variant has not been reported in the literature in individuals affected with FGFR3-related conditions. ClinVar contains an entry for this variant (Variation ID: 2507146). Invitae Evidence Modeling of protein sequence and biophysical properties (such as structural, functional, and spatial information, amino acid conservation, physicochemical variation, residue mobility, and thermodynamic stability) indicates that this missense variant is not expected to disrupt FGFR3 protein function with a negative predictive value of 95%. In summary, the available evidence is currently insufficient to determine the role of this variant in disease. Therefore, it has been classified as a Variant of Uncertain Significance.

Blueprint Genetics
Classification: Uncertain significance. Last evaluated: 2024-09-23. Review status: criteria provided, single submitter. Criteria: ACMG Guidelines, 2015. Collection method: clinical testing. Allele origin: germline.

GeneDx
Classification: Uncertain significance. Last evaluated: 2022-12-28. Review status: criteria provided, single submitter. Criteria: GeneDx Variant Classification Process June 2021. Collection method: clinical testing. Allele origin: germline. Affected: yes.
Comment: In silico analysis supports that this missense variant has a deleterious effect on protein structure/function; Has not been previously published as pathogenic or benign to our knowledge

NM_000142.5(FGFR3):c.1247G>A (p.Arg416His)

Gene: FGFR3 (fibroblast growth factor receptor 3; plus strand). Cytogenetic location: 4p16.3.
Variant type: single nucleotide variant.
Coding change: c.1247G>A on transcript NM_000142.5 (MANE Select); coding-DNA position 1247, G replaced by A.
Protein change: p.Arg416His; replaces arginine 416 with histidine.
Molecular consequence: missense variant. On other transcripts: non-coding transcript variant (1), intron variant (1).
Genome position (GRCh38, 1-based): chr4:1,804,501, G>A. VCF-style: chr4-1804501-G-A. GRCh37 (hg19) VCF-style: chr4-1806228-G-A.
Other names: c.1253G>A, p.Arg418His (NM_001163213.2); c.1247G>A, p.Arg416His (NM_001354809.2, NM_001354810.2); c.931-323G>A (NM_022965.4); short protein forms R416H, R418H.
Identifiers: ClinVar variation 2507146 (VCV002507146.3), dbSNP rs868356240, ClinGen allele CA91254104.